The following is an entry in ClinVar:

NM_000020.3(ACVRL1):c.1122G>T (p.Arg374=)

Gene: ACVRL1 (activin A receptor like type 1; plus strand). Cytogenetic location: 12q13.13.
Variant type: single nucleotide variant.
Coding change: c.1122G>T on transcript NM_000020.3 (MANE Select); coding-DNA position 1122, G replaced by T.
Protein change: p.Arg374=; no amino-acid change (arginine 374 retained).
Molecular consequence: synonymous variant.
Genome position (GRCh38, 1-based): chr12:51,916,109, G>T. VCF-style: chr12-51916109-G-T. GRCh37 (hg19) VCF-style: chr12-52309893-G-T.
Other names: c.1122G>T, p.Arg374= (NM_001077401.2).
Identifiers: ClinVar variation 416701 (VCV000416701.38), dbSNP rs187902433, ClinGen allele CA6573071.

ClinVar aggregate classification (germline): Benign/Likely benign. Review status: criteria provided, multiple submitters, no conflicts (2 of 4 stars). 5 submissions from 5 submitters: Benign (1); Likely benign (3). 1 of the submissions does not count toward it. Last evaluated 2025-10-10.

Conditions:
ACVRL1-related disorder. Also called: ACVRL1-related condition; ACVRL1-related disorders.
Cardiovascular phenotype. Identifiers: MedGen CN230736.
Telangiectasia, hereditary hemorrhagic, type 2 (HHT2). Also called: Telangiectasia, hereditary hemorrhagic, type II; ACVRL1-Related Hereditary Hemorrhagic Telangiectasia. Identifiers: Orphanet 774, MedGen C1838163, MONDO:0010880, OMIM 600376. Disease mechanism: loss of function.

Allele frequency attached by ClinVar (database versions not stated): TOPMed 0.00006; gnomAD exomes 0.00021 and 0.00036; gnomAD 0.00022 and 0.00024; 1000 Genomes Project 30x 0.00031; 1000 Genomes Project 0.00040; ExAC 0.00041.
gnomAD v4.1: 346 of 1,613,872 alleles (0.021%); highest among the groups gnomAD compares: Non-Finnish European, 0.014%; 1 homozygote.

Submissions (5):

Labcorp Genetics (formerly Invitae), Labcorp
Classification: Benign for Telangiectasia, hereditary hemorrhagic, type 2. Last evaluated: 2025-10-10. Review status: criteria provided, single submitter. Criteria: Invitae Variant Classification Sherloc (09022015). Collection method: clinical testing. Allele origin: germline.

Blueprint Genetics
Classification: Likely benign. Last evaluated: 2024-06-12. Review status: criteria provided, single submitter. Criteria: ACMG Guidelines, 2015. Collection method: clinical testing. Allele origin: germline.

Ambry Genetics
Classification: Likely benign for Cardiovascular phenotype. Last evaluated: 2023-03-03. Review status: criteria provided, single submitter. Criteria: Ambry Variant Classification Scheme 2023. Collection method: clinical testing. Allele origin: germline.

CeGaT Center for Human Genetics Tuebingen
Classification: Likely benign. Last evaluated: 2023-02-01. Review status: criteria provided, single submitter. Criteria: CeGaT Center For Human Genetics Tuebingen Variant Classification Criteria Version 2. Collection method: clinical testing. Allele origin: germline. Affected: yes. Observed: 1 variant allele.
Comment: ACVRL1: BP4

PreventionGenetics, part of Exact Sciences
Classification: Likely benign for ACVRL1-related condition. Last evaluated: 2019-05-02. Review status: no assertion criteria provided. Collection method: clinical testing. Allele origin: germline. Not counted in ClinVar's aggregate classification.
Comment: This variant is classified as likely benign based on ACMG/AMP sequence variant interpretation guidelines (Richards et al. 2015 PMID: 25741868, with internal and published modifications).